The following is an entry in ClinVar:

NM_182914.3(SYNE2):c.5500G>C (p.Asp1834His)

Gene: SYNE2 (spectrin repeat containing nuclear envelope protein 2; plus strand). Cytogenetic location: 14q23.2.
Variant type: single nucleotide variant.
Coding change: c.5500G>C on transcript NM_182914.3 (MANE Select); coding-DNA position 5500, G replaced by C.
Protein change: p.Asp1834His; replaces aspartic acid 1834 with histidine.
Molecular consequence: missense variant.
Genome position (GRCh38, 1-based): chr14:64,022,004, G>C. VCF-style: chr14-64022004-G-C. GRCh37 (hg19) VCF-style: chr14-64488722-G-C.
Other names: c.5500G>C, p.Asp1834His (NM_015180.6); short protein forms D1834H.
Identifiers: ClinVar variation 1003013 (VCV001003013.8), dbSNP rs760548610, ClinGen allele CA7220473.

ClinVar aggregate classification (germline): Uncertain significance (1 of 4 stars; one submission).

Conditions:
Emery-Dreifuss muscular dystrophy 5, autosomal dominant (EDMD5). Also called: EMERY-DREIFUSS MUSCULAR DYSTROPHY 5. Identifiers: Orphanet 261, MedGen C2751805, MONDO:0013072, OMIM 612999.

Allele frequency attached by ClinVar (database versions not stated): ExAC 0.00001.
gnomAD v4.1: 3 of 1,613,728 alleles (0.00019%); highest among the groups gnomAD compares: Non-Finnish European, 0.00025%; no homozygotes.

Submission:

Labcorp Genetics (formerly Invitae), Labcorp
Classification: Uncertain significance for Emery-Dreifuss muscular dystrophy 5, autosomal dominant. Last evaluated: 2026-01-26. Review status: criteria provided, single submitter. Criteria: Invitae Variant Classification Sherloc (09022015). Collection method: clinical testing. Allele origin: germline.
Comment: This sequence change replaces aspartic acid, which is acidic and polar, with histidine, which is basic and polar, at codon 1834 of the SYNE2 protein (p.Asp1834His). This variant is present in population databases (rs760548610, gnomAD 0.0009%). This variant has not been reported in the literature in individuals affected with SYNE2-related conditions. ClinVar contains an entry for this variant (Variation ID: 1003013). An algorithm developed to predict the effect of missense changes on protein structure and function (PolyPhen-2) suggests that this variant is likely to be disruptive. In summary, the available evidence is currently insufficient to determine the role of this variant in disease. Therefore, it has been classified as a Variant of Uncertain Significance.